The following is an entry in ClinVar:

ClinVar aggregate classification (germline): Uncertain significance. Review status: criteria provided, multiple submitters, no conflicts (2 of 4 stars). 2 submissions from 2 submitters: Uncertain significance (2). Last evaluated 2025-12-04.

gnomAD v4.1: 26 of 1,611,144 alleles (0.0016%); highest among the groups gnomAD compares: African/African-American, 0.004%; no homozygotes.

Submissions (2):

Ambry Genetics
Classification: Uncertain significance. Last evaluated: 2025-12-04. Review status: criteria provided, single submitter. Criteria: Ambry Variant Classification Scheme 2023. Collection method: clinical testing. Allele origin: germline.

Labcorp Genetics (formerly Invitae), Labcorp
Classification: Uncertain significance. Last evaluated: 2025-01-27. Review status: criteria provided, single submitter. Criteria: Invitae Variant Classification Sherloc (09022015). Collection method: clinical testing. Allele origin: germline.
Comment: This sequence change replaces arginine, which is basic and polar, with histidine, which is basic and polar, at codon 130 of the PALM protein (p.Arg130His). This variant is present in population databases (rs775703604, gnomAD 0.004%). This variant has not been reported in the literature in individuals affected with PALM-related conditions. An algorithm developed to predict the effect of missense changes on protein structure and function outputs the following: PolyPhen-2: "Benign". The histidine amino acid residue is found in multiple mammalian species, which suggests that this missense change does not adversely affect protein function. In summary, the available evidence is currently insufficient to determine the role of this variant in disease. Therefore, it has been classified as a Variant of Uncertain Significance.

NM_002579.3(PALM):c.389G>A (p.Arg130His)

Gene: PALM (paralemmin; plus strand). Cytogenetic location: 19p13.3.
Variant type: single nucleotide variant.
Coding change: c.389G>A on transcript NM_002579.3 (MANE Select); coding-DNA position 389, G replaced by A.
Protein change: p.Arg130His; replaces arginine 130 with histidine.
Molecular consequence: missense variant.
Genome position (GRCh38, 1-based): chr19:731,214, G>A. VCF-style: chr19-731214-G-A. GRCh37 (hg19) VCF-style: chr19-731214-G-A.
Other names: c.389G>A, p.Arg130His (NM_001040134.2); c.389G>A (NM_002579.2); short protein forms R130H.
Identifiers: ClinVar variation 3672712 (VCV003672712.3).